The following is an entry in ClinVar:

NM_152424.4(AMER1):c.1919T>G (p.Val640Gly)

Gene: AMER1 (APC membrane recruitment protein 1; minus strand). Cytogenetic location: Xq11.2.
Variant type: single nucleotide variant.
Coding change: c.1919T>G on transcript NM_152424.4 (MANE Select); coding-DNA position 1919, T replaced by G.
Protein change: p.Val640Gly; replaces valine 640 with glycine.
Molecular consequence: missense variant.
Genome position (GRCh38, 1-based): chrX:64,191,368, A>C on the plus strand (T>G on the coding strand, the complement: AMER1 is on the minus strand). VCF-style: chrX-64191368-A-C. GRCh37 (hg19) VCF-style: chrX-63411248-A-C.
Other names: short protein forms V640G.
Identifiers: ClinVar variation 1955568 (VCV001955568.5), dbSNP rs2147087154, ClinGen allele CA413305872.

ClinVar aggregate classification (germline): Uncertain significance (1 of 4 stars; one submission).

Submission:

Labcorp Genetics (formerly Invitae), Labcorp
Classification: Uncertain significance. Last evaluated: 2025-02-24. Review status: criteria provided, single submitter. Criteria: Invitae Variant Classification Sherloc (09022015). Collection method: clinical testing. Allele origin: germline.
Comment: This sequence change replaces valine, which is neutral and non-polar, with glycine, which is neutral and non-polar, at codon 640 of the AMER1 protein (p.Val640Gly). This variant is not present in population databases (gnomAD no frequency). This variant has not been reported in the literature in individuals affected with AMER1-related conditions. ClinVar contains an entry for this variant (Variation ID: 1955568). An algorithm developed to predict the effect of missense changes on protein structure and function (PolyPhen-2) suggests that this variant is likely to be tolerated. In summary, the available evidence is currently insufficient to determine the role of this variant in disease. Therefore, it has been classified as a Variant of Uncertain Significance.